The following is an entry in ClinVar:

ClinVar aggregate classification (germline): Uncertain significance (1 of 4 stars; one submission).

Submission:

CeGaT Center for Human Genetics Tuebingen
Classification: Uncertain significance. Last evaluated: 2026-01-01. Review status: criteria provided, single submitter. Criteria: CeGaT Center For Human Genetics Tuebingen Variant Classification Criteria Version 2. Collection method: clinical testing. Allele origin: germline. Affected: yes. Observed: 2 variant alleles.
Comment: FAT2: PM2, PP2

NM_001447.3(FAT2):c.9784G>C (p.Gly3262Arg)

Genes: FAT2 (FAT atypical cadherin 2; minus strand), SLC36A1 (solute carrier family 36 member 1; plus strand). Cytogenetic location: 5q33.1.
Variant type: single nucleotide variant.
Coding change: c.9784G>C on transcript NM_001447.3 (MANE Select); coding-DNA position 9784, G replaced by C.
Protein change: p.Gly3262Arg; replaces glycine 3262 with arginine.
Molecular consequence: missense variant.
Genome position (GRCh38, 1-based): chr5:151,531,614, C>G on the plus strand (G>C on the coding strand, the complement: FAT2 is on the minus strand). VCF-style: chr5-151531614-C-G. GRCh37 (hg19) VCF-style: chr5-150911175-C-G.
Other names: short protein forms G3262R.
Identifiers: ClinVar variation 2655952 (VCV002655952.24), dbSNP rs2127591085, ClinGen allele CA361826894.